The following is an entry in ClinVar:

ClinVar aggregate classification (germline): Uncertain significance. Review status: criteria provided, multiple submitters, no conflicts (2 of 4 stars). 4 submissions from 4 submitters: Uncertain significance (4). Last evaluated 2025-12-01.

Conditions:
Inborn genetic diseases. Identifiers: MedGen C0950123, MeSH D030342.
ACD-related disorder. Also called: ACD-related condition.
Dyskeratosis congenita, autosomal dominant 6 (DKCA6). Identifiers: Orphanet 3322, MedGen C4225284, MONDO:0014690, OMIM 616553.

Allele frequency attached by ClinVar (database versions not stated): gnomAD exomes 0.00001 and 0.00004; ExAC 0.00004; gnomAD 0.00005; TOPMed 0.00005; ESP Exome Variant Server 0.00008.
gnomAD v4.1: 23 of 1,613,978 alleles (0.0014%); highest among the groups gnomAD compares: African/African-American, 0.012%; no homozygotes.

Submissions (4):

Labcorp Genetics (formerly Invitae), Labcorp
Classification: Uncertain significance for Dyskeratosis congenita, autosomal dominant 6. Last evaluated: 2025-12-01. Review status: criteria provided, single submitter. Criteria: Invitae Variant Classification Sherloc (09022015). Collection method: clinical testing. Allele origin: germline.
Comment: This sequence change replaces arginine, which is basic and polar, with histidine, which is basic and polar, at codon 495 of the ACD protein (p.Arg495His). This variant is present in population databases (rs374742891, gnomAD 0.03%). This variant has not been reported in the literature in individuals affected with ACD-related conditions. ClinVar contains an entry for this variant (Variation ID: 949293). Invitae Evidence Modeling of protein sequence and biophysical properties (such as structural, functional, and spatial information, amino acid conservation, physicochemical variation, residue mobility, and thermodynamic stability) indicates that this missense variant is not expected to disrupt ACD protein function with a negative predictive value of 80%. In summary, the available evidence is currently insufficient to determine the role of this variant in disease. Therefore, it has been classified as a Variant of Uncertain Significance.

Center for Genomic Medicine, Rigshospitalet, Copenhagen University Hospital
Classification: Uncertain significance. Last evaluated: 2025-03-04. Review status: criteria provided, single submitter. Criteria: ACMG Guidelines, 2015. Collection method: clinical testing. Allele origin: germline.

PreventionGenetics, part of Exact Sciences
Classification: Uncertain significance for ACD-related condition. Last evaluated: 2024-12-18. Review status: criteria provided, single submitter. Criteria: ACMG Guidelines, 2015. Collection method: clinical testing. Allele origin: germline.
Comment: The ACD c.1484G>A variant is predicted to result in the amino acid substitution p.Arg495His. To our knowledge, this variant has not been reported in the literature. This variant is reported in 0.020% of alleles in individuals of African descent in gnomAD. At this time, the clinical significance of this variant is uncertain due to the absence of conclusive functional and genetic evidence.

Ambry Genetics
Classification: Uncertain significance for Inborn genetic diseases. Last evaluated: 2023-09-17. Review status: criteria provided, single submitter. Criteria: Ambry Variant Classification Scheme 2023. Collection method: clinical testing. Allele origin: germline.
Comment: The p.R495H variant (also known as c.1484G>A), located in coding exon 11 of the ACD gene, results from a G to A substitution at nucleotide position 1484. The arginine at codon 495 is replaced by histidine, an amino acid with highly similar properties. This amino acid position is conserved. In addition, this alteration is predicted to be tolerated by in silico analysis. Since supporting evidence is limited at this time, the clinical significance of this alteration remains unclear.

NM_001082486.2(ACD):c.1226G>A (p.Arg409His)

Gene: ACD (ACD shelterin complex subunit and telomerase recruitment factor; minus strand). Cytogenetic location: 16q22.1.
Variant type: single nucleotide variant.
Coding change: c.1226G>A on transcript NM_001082486.2 (MANE Select); coding-DNA position 1226, G replaced by A.
Protein change: p.Arg409His; replaces arginine 409 with histidine.
Molecular consequence: missense variant.
Genome position (GRCh38, 1-based): chr16:67,657,834, C>T on the plus strand (G>A on the coding strand, the complement: ACD is on the minus strand). VCF-style: chr16-67657834-C-T. GRCh37 (hg19) VCF-style: chr16-67691737-C-T.
Other names: c.1217G>A, p.Arg406His (NM_022914.3); short protein forms R409H, R406H.
Identifiers: ClinVar variation 949293 (VCV000949293.20), dbSNP rs374742891, ClinGen allele CA8114393.